The following is an entry in ClinVar:

ClinVar aggregate classification (germline): Uncertain significance. Review status: criteria provided, multiple submitters, no conflicts (2 of 4 stars). 2 submissions from 2 submitters: Uncertain significance (2). Last evaluated 2025-08-08.

Conditions:
KCNH1-related disorder. Also called: KCNH1-related disorders; KCNH1-related condition.

Allele frequency attached by ClinVar (database versions not stated): ExAC 0.00002; gnomAD exomes below 0.00001; TOPMed 0.00001.
gnomAD v4.1: 7 of 1,613,996 alleles (0.00043%); highest among the groups gnomAD compares: South Asian, 0.0022%; no homozygotes.

Submissions (2):

Labcorp Genetics (formerly Invitae), Labcorp
Classification: Uncertain significance. Last evaluated: 2025-08-08. Review status: criteria provided, single submitter. Criteria: Invitae Variant Classification Sherloc (09022015). Collection method: clinical testing. Allele origin: germline.
Comment: This sequence change replaces arginine, which is basic and polar, with cysteine, which is neutral and slightly polar, at codon 288 of the KCNH1 protein (p.Arg288Cys). This variant is present in population databases (rs751141740, gnomAD 0.002%). This variant has not been reported in the literature in individuals affected with KCNH1-related conditions. ClinVar contains an entry for this variant (Variation ID: 2026256). Invitae Evidence Modeling of protein sequence and biophysical properties (such as structural, functional, and spatial information, amino acid conservation, physicochemical variation, residue mobility, and thermodynamic stability) has been performed for this missense variant. However, the output from this modeling did not meet the statistical confidence thresholds required to predict the impact of this variant on KCNH1 protein function. In summary, the available evidence is currently insufficient to determine the role of this variant in disease. Therefore, it has been classified as a Variant of Uncertain Significance.

PreventionGenetics, part of Exact Sciences
Classification: Uncertain significance for KCNH1-related condition. Last evaluated: 2023-01-02. Review status: criteria provided, single submitter. Criteria: ACMG Guidelines, 2015. Collection method: clinical testing. Allele origin: germline.
Comment: The KCNH1 c.862C>T variant is predicted to result in the amino acid substitution p.Arg288Cys. To our knowledge, this variant has not been reported in individuals with KCNH1-associated phenotypes in the literature. This variant is reported in 0.0018% of alleles in individuals of European (Non-Finnish) descent in gnomAD. At this time, the clinical significance of this variant is uncertain due to the absence of conclusive functional and genetic evidence.

NM_172362.3(KCNH1):c.862C>T (p.Arg288Cys)

Gene: KCNH1 (potassium voltage-gated channel subfamily H member 1; minus strand). Cytogenetic location: 1q32.2.
Variant type: single nucleotide variant.
Coding change: c.862C>T on transcript NM_172362.3 (MANE Select); coding-DNA position 862, C replaced by T.
Protein change: p.Arg288Cys; replaces arginine 288 with cysteine.
Molecular consequence: missense variant.
Genome position (GRCh38, 1-based): chr1:211,018,953, G>A on the plus strand (C>T on the coding strand, the complement: KCNH1 is on the minus strand). VCF-style: chr1-211018953-G-A. GRCh37 (hg19) VCF-style: chr1-211192295-G-A.
Other names: c.862C>T (NM_172362.2); c.862C>T, p.Arg288Cys (NM_002238.4); short protein forms R288C.
Identifiers: ClinVar variation 2026256 (VCV002026256.5), dbSNP rs751141740, ClinGen allele CA1379959.